The following is an entry in ClinVar:

NM_004369.4(COL6A3):c.3934G>A (p.Val1312Met)

Gene: COL6A3 (collagen type VI alpha 3 chain; minus strand). Cytogenetic location: 2q37.3.
Variant type: single nucleotide variant.
Coding change: c.3934G>A on transcript NM_004369.4 (MANE Select); coding-DNA position 3934, G replaced by A.
Protein change: p.Val1312Met; replaces valine 1312 with methionine.
Molecular consequence: missense variant.
Genome position (GRCh38, 1-based): chr2:237,372,083, C>T on the plus strand (G>A on the coding strand, the complement: COL6A3 is on the minus strand). VCF-style: chr2-237372083-C-T. GRCh37 (hg19) VCF-style: chr2-238280726-C-T.
Other names: c.2713G>A, p.Val905Met (NM_057164.5); c.3316G>A, p.Val1106Met (NM_057165.5, NM_057167.4); c.2113G>A, p.Val705Met (NM_057166.5); c.3934G>A (NM_004369.3); short protein forms V1312M, V1106M, V705M, V905M.
Identifiers: ClinVar variation 290193 (VCV000290193.11), dbSNP rs144878757, ClinGen allele CA2189037.

ClinVar aggregate classification (germline): Conflicting classifications of pathogenicity. Review status: criteria provided, conflicting classifications (1 of 4 stars). 4 submissions from 4 submitters: Uncertain significance (3); Benign (1). Last evaluated 2025-08-11.

Conditions:
Inborn genetic diseases. Identifiers: MedGen C0950123, MeSH D030342.
Bethlem myopathy 1A. Also called: Bethlem Muscular Dystrophy; MYOPATHY, BENIGN CONGENITAL, WITH CONTRACTURES; Bethlem myopathy 1. Identifiers: Orphanet 610, MedGen CN029274, MONDO:0024530, OMIM 158810.

Allele frequency attached by ClinVar (database versions not stated): gnomAD 0.00005; TOPMed 0.00005; ESP Exome Variant Server 0.00015.

Submissions (4):

Labcorp Genetics (formerly Invitae), Labcorp
Classification: Benign for Bethlem myopathy 1A. Last evaluated: 2025-08-11. Review status: criteria provided, single submitter. Criteria: Invitae Variant Classification Sherloc (09022015). Collection method: clinical testing. Allele origin: germline.

GeneDx
Classification: Uncertain significance. Last evaluated: 2025-04-30. Review status: criteria provided, single submitter. Criteria: GeneDx Variant Classification Process June 2021. Collection method: clinical testing. Allele origin: germline. Affected: yes.
Comment: In silico analysis indicates that this missense variant does not alter protein structure/function; Has not been previously published as pathogenic or benign to our knowledge

Ambry Genetics
Classification: Uncertain significance for Inborn genetic diseases. Last evaluated: 2025-04-04. Review status: criteria provided, single submitter. Criteria: Ambry Variant Classification Scheme 2023. Collection method: clinical testing. Allele origin: germline.

Eurofins Ntd Llc (ga)
Classification: Uncertain significance. Last evaluated: 2018-01-25. Review status: criteria provided, single submitter. Criteria: EGL Classification Definitions 2015. Collection method: clinical testing. Allele origin: germline. Observed: 2 variant alleles, 2 heterozygotes.